The following is an entry in ClinVar:

NM_016507.4(CDK12):c.4127T>G (p.Phe1376Cys)

Gene: CDK12 (cyclin dependent kinase 12; plus strand). Cytogenetic location: 17q12.
Variant type: single nucleotide variant.
Coding change: c.4127T>G on transcript NM_016507.4 (MANE Select); coding-DNA position 4127, T replaced by G.
Protein change: p.Phe1376Cys; replaces phenylalanine 1376 with cysteine.
Molecular consequence: missense variant.
Genome position (GRCh38, 1-based): chr17:39,530,970, T>G. VCF-style: chr17-39530970-T-G. GRCh37 (hg19) VCF-style: chr17-37687223-T-G.
Other names: c.4100T>G, p.Phe1367Cys (NM_015083.4); short protein forms F1367C, F1376C.
Identifiers: ClinVar variation 4651362 (VCV004651362.1).

ClinVar aggregate classification (germline): Uncertain significance (1 of 4 stars; one submission).

gnomAD v4.1: 1 of 1,614,152 alleles (0.000062%); no homozygotes.

Submission:

Ambry Genetics
Classification: Uncertain significance. Last evaluated: 2025-10-09. Review status: criteria provided, single submitter. Criteria: Ambry Variant Classification Scheme 2023. Collection method: clinical testing. Allele origin: germline.
Comment: The p.F1376C variant (also known as c.4127T>G), located in coding exon 14 of the CDK12 gene, results from a T to G substitution at nucleotide position 4127. The phenylalanine at codon 1376 is replaced by cysteine, an amino acid with highly dissimilar properties. This amino acid position is conserved. In addition, this alteration is predicted to be deleterious by in silico analysis. Based on the available evidence, the clinical significance of this variant remains unclear.